The following is an entry in ClinVar:

ClinVar aggregate classification (germline): Likely benign (1 of 4 stars; one submission).

gnomAD v4.1: 7 of 1,612,954 alleles (0.00043%); highest among the groups gnomAD compares: Non-Finnish European, 0.00051%; no homozygotes.

Submission:

CeGaT Center for Human Genetics Tuebingen
Classification: Likely benign. Last evaluated: 2025-07-01. Review status: criteria provided, single submitter. Criteria: CeGaT Center For Human Genetics Tuebingen Variant Classification Criteria Version 2. Collection method: clinical testing. Allele origin: germline. Affected: yes. Observed: 1 variant allele.
Comment: GNAS: BP4, BP7

NM_016592.5(GNAS):c.216C>A (p.Gly72=)

Genes: GNAS (GNAS complex locus; plus strand), GNAS-AS1 (GNAS antisense RNA 1; minus strand). Cytogenetic location: 20q13.32.
Variant type: single nucleotide variant.
Coding change: c.216C>A on transcript NM_016592.5 (MANE Plus Clinical); coding-DNA position 216, C replaced by A.
Protein change: p.Gly72=; no amino-acid change (glycine 72 retained).
Molecular consequence: synonymous variant. On other transcripts: 5 prime UTR variant (1).
Genome position (GRCh38, 1-based): chr20:58,840,322, C>A. VCF-style: chr20-58840322-C-A. GRCh37 (hg19) VCF-style: chr20-57415377-C-A.
Other names: c.-522C>A (NM_001410912.1).
Identifiers: ClinVar variation 4084822 (VCV004084822.8).